The following is an entry in ClinVar:

ClinVar aggregate classification (germline): Uncertain significance (1 of 4 stars; one submission).

Conditions:
Hereditary cancer-predisposing syndrome. Also called: Tumor predisposition; Hereditary Cancer Syndrome; Neoplastic Syndromes, Hereditary; Hereditary neoplastic syndrome. Identifiers: Orphanet 140162, MedGen C0027672, MeSH D009386, MONDO:0015356.

Submission:

Ambry Genetics
Classification: Uncertain significance for Hereditary cancer-predisposing syndrome. Last evaluated: 2020-02-20. Review status: criteria provided, single submitter. Criteria: Ambry Variant Classification Scheme 2023. Collection method: clinical testing. Allele origin: germline.
Comment: The p.N934S variant (also known as c.2801A>G), located in coding exon 17 of the RAD50 gene, results from an A to G substitution at nucleotide position 2801. The asparagine at codon 934 is replaced by serine, an amino acid with highly similar properties. This amino acid position is not well conserved in available vertebrate species. In addition, this alteration is predicted to be tolerated by in silico analysis. Since supporting evidence is limited at this time, the clinical significance of this alteration remains unclear.

NM_005732.4(RAD50):c.2801A>G (p.Asn934Ser)

Gene: RAD50 (RAD50 double strand break repair protein; plus strand). Cytogenetic location: 5q31.1.
Variant type: single nucleotide variant.
Coding change: c.2801A>G on transcript NM_005732.4 (MANE Select); coding-DNA position 2801, A replaced by G.
Protein change: p.Asn934Ser; replaces asparagine 934 with serine.
Molecular consequence: missense variant.
Genome position (GRCh38, 1-based): chr5:132,608,697, A>G. VCF-style: chr5-132608697-A-G. GRCh37 (hg19) VCF-style: chr5-131944389-A-G.
Other names: short protein forms N934S.
Identifiers: ClinVar variation 1796226 (VCV001796226.2), dbSNP rs1581004289, ClinGen allele CA360959086.
Genomic context (GRCh38, chr5:132,608,697, plus strand): 5'-CTTTGGAAACAACATTGGAAAAGTTCCAGCAAGAAAAAGAAGAATTAATCAACAAAAAAA[A>G]TACAAGCAACAAAATAGCACAGGATAAAGTAAGATTTCATTTATATATTTACTTATCAAA-3'
Protein context (NP_005723.2, residues 924-944): QEKEELINKK[Asn934Ser]TSNKIAQDKL